The following is an entry in ClinVar:

NM_001065.4(TNFRSF1A):c.434A>G (p.Asn145Ser)

Gene: TNFRSF1A (TNF receptor superfamily member 1A; minus strand). Cytogenetic location: 12p13.31.
Variant type: single nucleotide variant.
Coding change: c.434A>G on transcript NM_001065.4 (MANE Select); coding-DNA position 434, A replaced by G.
Protein change: p.Asn145Ser; replaces asparagine 145 with serine.
Molecular consequence: missense variant. On other transcripts: 5 prime UTR variant (1), non-coding transcript variant (1).
Genome position (GRCh38, 1-based): chr12:6,333,405, T>C on the plus strand (A>G on the coding strand, the complement: TNFRSF1A is on the minus strand). VCF-style: chr12-6333405-T-C. GRCh37 (hg19) VCF-style: chr12-6442571-T-C.
Other names: c.110A>G, p.Asn37Ser (NM_001346091.2); c.-144A>G (NM_001346092.2); short protein forms N145S, N37S.
Identifiers: ClinVar variation 97703 (VCV000097703.47), dbSNP rs104895288, ClinGen allele CA280864.
Genomic context (GRCh38, chr12:6,333,405, plus strand): 5'-GCCTCAGGAGAGCTGCGCTCACAGGAGAGGTGCACGGTCCCATTGAGGCAGAGGCTGCAA[T>C]TGAAGCACTGGAAAAGGTTTTCACTCCAATAATGCCGGTACTGGTTCTTCCTGCAGCCAC-3'
Protein context (NP_001056.1, residues 135-155): YWSENLFQCF[Asn145Ser]CSLCLNGTVH

ClinVar aggregate classification (germline): Conflicting classifications of pathogenicity. Review status: criteria provided, conflicting classifications (1 of 4 stars). 9 submissions from 9 submitters: Uncertain significance (6); Likely benign (2). 1 of the submissions does not count toward it. Last evaluated 2026-08-01.

Conditions:
Hepatosplenomegaly. Identifiers: MedGen C0019214, HP:0001433.
Febrile seizure (within the age range of 3 months to 6 years). Also called: Febrile seizure; Febrile seizures; febrile convulsion. Identifiers: MedGen C0009952, HP:0002373.
TNFRSF1A-related disorder. Also called: TNFRSF1A-related condition.
Autoinflammatory syndrome. Identifiers: Orphanet 93665, MedGen C3890737, MONDO:0019751.
TNF receptor-associated periodic fever syndrome (TRAPS) (FPF). Also called: Autosomal Dominant Familial Periodic Fever; TNF RECEPTOR-ASSOCIATED PERIODIC SYNDROME; TUMOR NECROSIS FACTOR RECEPTOR-ASSOCIATED PERIODIC SYNDROME; FAMILIAL HIBERNIAN FEVER; TNF receptor 1-associated periodic fever syndrome; TNF Receptor-Associated Periodic Fever Syndrome. Identifiers: Orphanet 32960, MedGen C1275126, MONDO:0007727, OMIM 142680.

Allele frequency attached by ClinVar (database versions not stated): gnomAD 0.00005; ExAC 0.00006; ESP Exome Variant Server 0.00008; gnomAD exomes 0.00009; TOPMed 0.00010.
gnomAD v4.1: 150 of 1,613,848 alleles (0.0093%); highest among the groups gnomAD compares: Middle Eastern, 0.033%; no homozygotes.

Submissions (9):

CeGaT Center for Human Genetics Tuebingen
Classification: Uncertain significance. Last evaluated: 2026-08-01. Review status: criteria provided, single submitter. Criteria: CeGaT Center For Human Genetics Tuebingen Variant Classification Criteria Version 2. Collection method: clinical testing. Allele origin: germline. Affected: yes. Observed: 5 variant alleles.

PreventionGenetics, part of Exact Sciences
Classification: Uncertain significance for TNFRSF1A-related condition. Last evaluated: 2026-06-23. Review status: criteria provided, single submitter. Criteria: ACMG Guidelines, 2015. Collection method: clinical testing. Allele origin: germline.
Comment: The TNFRSF1A c.434A>G variant is predicted to result in the amino acid substitution p.Asn145Ser. To our knowledge, this variant has not been reported in the literature. This variant is reported in 0.017% of alleles in individuals of European (Non-Finnish) descent in gnomAD. At this time, the clinical significance of this variant is uncertain due to the absence of conclusive functional and genetic evidence.

Labcorp Genetics (formerly Invitae), Labcorp
Classification: Likely benign for TNF receptor-associated periodic fever syndrome (TRAPS). Last evaluated: 2025-12-20. Review status: criteria provided, single submitter. Criteria: Invitae Variant Classification Sherloc (09022015). Collection method: clinical testing. Allele origin: germline.

Blueprint Genetics
Classification: Likely benign. Last evaluated: 2024-11-25. Review status: criteria provided, single submitter. Criteria: ACMG Guidelines, 2015. Collection method: clinical testing. Allele origin: germline.

Genome Diagnostics Laboratory, The Hospital for Sick Children
Classification: Uncertain significance for Autoinflammatory syndrome. Last evaluated: 2020-02-01. Review status: criteria provided, single submitter. Criteria: ACMG Guidelines, 2015. Collection method: clinical testing. Allele origin: germline. Affected: yes.

Illumina Laboratory Services, Illumina
Classification: Uncertain significance for TNF receptor-associated periodic fever syndrome (TRAPS). Last evaluated: 2017-04-27. Review status: criteria provided, single submitter. Criteria: ICSL Variant Classification Criteria 13 December 2019. Collection method: clinical testing. Allele origin: germline.

Centre for Mendelian Genomics, University Medical Centre Ljubljana
Classification: Uncertain significance for Febrile seizure (within the age range of 3 months to 6 years); Hepatosplenomegaly. Last evaluated: 2017-01-01. Review status: criteria provided, single submitter. Criteria: ACMG Guidelines, 2015. Collection method: clinical testing. Allele origin: unknown. Affected: yes.

GeneDx
Classification: Uncertain significance. Last evaluated: 2016-03-08. Review status: criteria provided, single submitter. Criteria: GeneDx Variant Classification (06012015). Collection method: clinical testing. Allele origin: germline. Affected: yes.
Comment: The N145S variant has been published in association with TRAPS (Lachmann et al., 2014). The N145S variant was not observed at any significant frequency in individuals of European and African American ancestry in the NHLBI Exome Sequencing Project. The N145S variant is a conservative amino acid substitution, which is not likely to impact secondary protein structure as these residues share similar properties. This substitution occurs at a position that is not conserved. In silico analysis predicts this variant likely does not alter the protein structure/function. Therefore, based on the currently available information, it is unclear whether this variant is a pathogenic variant or a rare benign variant.

Unité médicale des maladies autoinflammatoires, CHRU Montpellier
No classification provided. Condition: TNF receptor-associated periodic fever syndrome (TRAPS). Review status: no classification provided. Collection method: not provided. Allele origin: unknown. Not counted in ClinVar's aggregate classification.